The following is an entry in ClinVar:

ClinVar aggregate classification (germline): Uncertain significance (1 of 4 stars; one submission).

Conditions:
Malignant hyperthermia, susceptibility to, 1 (MHS1). Also called: Anesthesia related hyperthermia; Malignant hyperpyrexia; Fulminating hyperpyrexia; Pharmacogenic myopathy; RYR1-Related Malignant Hyperthermia Susceptibility; Malignant hyperthermia suceptibility 1. Identifiers: Orphanet 423, MedGen C2930980, MONDO:0007783, OMIM 145600.

Submission:

All of Us Research Program, National Institutes of Health
Classification: Uncertain significance for Malignant hyperthermia, susceptibility to, 1. Last evaluated: 2023-08-08. Review status: criteria provided, single submitter. Criteria: ACMG Guidelines, 2015. Collection method: clinical testing. Allele origin: germline. Inheritance: Autosomal dominant inheritance. Observed: 1 variant allele, 1 heterozygote.
Comment: This variant causes a T to A nucleotide substitution at the -5 position of intron 57 of the RYR1 gene. To our knowledge, functional studies have not been reported for this variant. This variant has not been reported in individuals affected with RYR1-related disorders in the literature. This variant has not been identified in the general population by the Genome Aggregation Database (gnomAD). The available evidence is insufficient to determine the role of this variant in disease conclusively. Therefore, this variant is classified as a Variant of Uncertain Significance.

This study involves interpretation of variants in research participants for the purpose of population health screening. Participant phenotype was not available at the time of variant classification. Additional details can be found in publication PMID: 35346344, PMCID: PMC8962531

NM_000540.3(RYR1):c.8817-5T>A

Gene: RYR1 (ryanodine receptor 1; plus strand). Cytogenetic location: 19q13.2.
Variant type: single nucleotide variant.
Coding change: c.8817-5T>A on transcript NM_000540.3 (MANE Select); 5 bases into the intron before coding-DNA position 8817, T replaced by A.
Molecular consequence: intron variant.
Genome position (GRCh38, 1-based): chr19:38,507,707, T>A. VCF-style: chr19-38507707-T-A. GRCh37 (hg19) VCF-style: chr19-38998347-T-A.
Other names: c.8817-5T>A (NM_001042723.2).
Identifiers: ClinVar variation 3072611 (VCV003072611.1), dbSNP rs2514377952, ClinGen allele CA2825002796.